The following is an entry in ClinVar:

NM_006363.6(SEC23B):c.367-1G>A

Genes: SEC23B (SEC23 homolog B, COPII coat complex component; plus strand), LOC126862987 (MED14-independent group 3 enhancer GRCh37_chr20:18504796-18505995; plus strand). Cytogenetic location: 20p11.23.
Variant type: single nucleotide variant.
Coding change: c.367-1G>A on transcript NM_006363.6 (MANE Select); the canonical splice acceptor site of the intron before coding-DNA position 367, G replaced by A.
Molecular consequence: splice acceptor variant. On other transcripts: intron variant (1).
Genome position (GRCh38, 1-based): chr20:18,524,432, G>A. VCF-style: chr20-18524432-G-A. GRCh37 (hg19) VCF-style: chr20-18505076-G-A.
Other names: c.367-1G>A (NM_032986.5, NM_001172745.3, NM_032985.6); c.367-55G>A (NM_001172746.3).
Identifiers: ClinVar variation 3340327 (VCV003340327.1).

ClinVar aggregate classification (germline): Likely pathogenic (1 of 4 stars; one submission).

gnomAD v4.1: 5 of 1,611,746 alleles (0.00031%); highest among the groups gnomAD compares: Middle Eastern, 0.017%; no homozygotes.

Submission:

GeneDx
Classification: Likely pathogenic. Last evaluated: 2023-10-11. Review status: criteria provided, single submitter. Criteria: GeneDx Variant Classification Process June 2021. Collection method: clinical testing. Allele origin: germline. Affected: yes.
Comment: Reported in the heterozygous state in a patient with a clinical diagnosis of congenital dyserythropoietic anemia type II; a second variant was not identified (Bianchi et al., 2016); Not observed at significant frequency in large population cohorts (gnomAD); Canonical splice site variant predicted to result in an in-frame loss of the adjacent exon in a gene for which loss of function is a known mechanism of disease; This variant is associated with the following publications: (PMID: 27471141)